The following is an entry in ClinVar:

ClinVar aggregate classification (germline): Uncertain significance. Review status: criteria provided, multiple submitters, no conflicts (2 of 4 stars). 6 submissions from 6 submitters: Uncertain significance (6). Last evaluated 2026-08-13.

Conditions:
Generalized epilepsy with febrile seizures plus, type 7 (GEFSP7). Also called: GEFS+, TYPE 7. Identifiers: Orphanet 36387, MedGen C2751778, MONDO:0013470, OMIM 613863.
Neuropathy, hereditary sensory and autonomic, type 2A (HSAN2A). Also called: MORVAN DISEASE; NEUROPATHY, CONGENITAL SENSORY; NEUROPATHY, HEREDITARY SENSORY RADICULAR, AUTOSOMAL RECESSIVE; NEUROPATHY, HEREDITARY SENSORY, TYPE IIA; NEUROPATHY, PROGRESSIVE SENSORY, OF CHILDREN; WNK1-Related HSAN2 (HSAN2A). Identifiers: Orphanet 970, MedGen C2752089, MONDO:0024309, OMIM 201300.
SCN9A-related disorder. Also called: SCN9A-related disorders; SCN9A-related condition.
Inborn genetic diseases. Identifiers: MedGen C0950123, MeSH D030342.

Allele frequency attached by ClinVar (database versions not stated): gnomAD exomes 0.00001 and 0.00002; gnomAD 0.00003 and 0.00004; TOPMed 0.00008; ExAC 0.00002.
gnomAD v4.1: 22 of 1,612,970 alleles (0.0014%); highest among the groups gnomAD compares: Admixed American, 0.015%; no homozygotes.

Submissions (6):

Ambry Genetics
Classification: Uncertain significance for Inborn genetic diseases. Last evaluated: 2026-08-13. Review status: criteria provided, single submitter. Criteria: Ambry Variant Classification Scheme 2023. Collection method: clinical testing. Allele origin: germline.
Comment: The c.4144G>A (p.G1382R) alteration is located in exon 22 (coding exon 21) of the SCN9A gene. This alteration results from a G to A substitution at nucleotide position 4144, causing the glycine (G) at amino acid position 1382 to be replaced by an arginine (R). Based on data from gnomAD, the A allele has an overall frequency of 0.002% (4/248784) total alleles studied. The highest observed frequency was 0.009% (3/34480) of Latino alleles. Based on insufficient or conflicting evidence, the clinical significance of this alteration remains unclear.

PreventionGenetics, part of Exact Sciences
Classification: Uncertain significance for SCN9A-related condition. Last evaluated: 2026-06-17. Review status: criteria provided, single submitter. Criteria: ACMG Guidelines, 2015. Collection method: clinical testing. Allele origin: germline.
Comment: The SCN9A c.4144G>A variant is predicted to result in the amino acid substitution p.Gly1382Arg. To our knowledge, this variant has not been reported in the literature. This variant is reported in 0.0087% of alleles in individuals of Latino descent in gnomAD. At this time, the clinical significance of this variant is uncertain due to the absence of conclusive functional and genetic evidence.

Women's Health and Genetics/Laboratory Corporation of America, LabCorp
Classification: Uncertain significance. Last evaluated: 2026-03-05. Review status: criteria provided, single submitter. Criteria: LabCorp Variant Classification Summary - May 2015. Collection method: clinical testing. Allele origin: germline.
Comment: Variant summary: SCN9A c.4144G>A (p.Gly1382Arg) results in a non-conservative amino acid change in the encoded protein sequence. Algorithms developed to predict the effect of missense changes on protein structure and function all suggest that this variant is likely to be disruptive. The variant allele was found at a frequency of 1.6e-05 in 248784 control chromosomes. The available data on variant occurrences in the general population are insufficient to allow any conclusion about variant significance. To our knowledge, no occurrence of c.4144G>A in individuals affected with SCN9A-related conditions and no experimental evidence demonstrating its impact on protein function have been reported. ClinVar contains an entry for this variant (Variation ID: 377136). Based on the evidence outlined above, the variant was classified as uncertain significance.

ARUP Laboratories, Molecular Genetics and Genomics, ARUP Laboratories
Classification: Uncertain significance. Last evaluated: 2025-05-27. Review status: criteria provided, single submitter. Criteria: ARUP Molecular Germline Variant Investigation Process 2024. Collection method: clinical testing. Allele origin: germline.
Comment: The SCN9A c.4144G>A; p.Gly1382Arg variant (rs200371160), to our knowledge, is not reported in the medical literature but is reported in ClinVar (Variation ID: 377136). This variant is only observed on four alleles in the Genome Aggregation Database (v2.1.1), indicating it is not a common polymorphism. Computational analyses predict that this variant is deleterious (REVEL: 0.989). Due to limited information, the clinical significance of this variant is uncertain at this time.

Labcorp Genetics (formerly Invitae), Labcorp
Classification: Uncertain significance for Neuropathy, hereditary sensory and autonomic, type 2A; Generalized epilepsy with febrile seizures plus, type 7. Last evaluated: 2024-10-30. Review status: criteria provided, single submitter. Criteria: Invitae Variant Classification Sherloc (09022015). Collection method: clinical testing. Allele origin: germline.
Comment: This sequence change replaces glycine, which is neutral and non-polar, with arginine, which is basic and polar, at codon 1382 of the SCN9A protein (p.Gly1382Arg). This variant is present in population databases (rs200371160, gnomAD 0.009%). This variant has not been reported in the literature in individuals affected with SCN9A-related conditions. ClinVar contains an entry for this variant (Variation ID: 377136). Invitae Evidence Modeling of protein sequence and biophysical properties (such as structural, functional, and spatial information, amino acid conservation, physicochemical variation, residue mobility, and thermodynamic stability) has been performed for this missense variant. However, the output from this modeling did not meet the statistical confidence thresholds required to predict the impact of this variant on SCN9A protein function. In summary, the available evidence is currently insufficient to determine the role of this variant in disease. Therefore, it has been classified as a Variant of Uncertain Significance.

Center for Pediatric Genomic Medicine, Children's Mercy Hospital and Clinics
Classification: Uncertain significance. Last evaluated: 2016-09-27. Review status: criteria provided, single submitter. Criteria: ACMG Guidelines, 2015. Collection method: clinical testing. Allele origin: germline.
ClinVar note: Converted during submission from Uncertain Significance to Uncertain significance.

NM_001365536.1(SCN9A):c.4177G>A (p.Gly1393Arg)

Genes: SCN9A (sodium voltage-gated channel alpha subunit 9; minus strand), SCN1A-AS1 (SCN1A and SCN9A antisense RNA 1; plus strand). Cytogenetic location: 2q24.3.
Variant type: single nucleotide variant.
Coding change: c.4177G>A on transcript NM_001365536.1 (MANE Select); coding-DNA position 4177, G replaced by A.
Protein change: p.Gly1393Arg; replaces glycine 1393 with arginine.
Molecular consequence: missense variant.
Genome position (GRCh38, 1-based): chr2:166,228,720, C>T on the plus strand (G>A on the coding strand, the complement: SCN9A is on the minus strand). VCF-style: chr2-166228720-C-T. GRCh37 (hg19) VCF-style: chr2-167085230-C-T.
Other names: c.4144G>A, p.Gly1382Arg (NM_002977.4); short protein forms G1382R, G1393R.
Identifiers: ClinVar variation 377136 (VCV000377136.19), dbSNP rs200371160, ClinGen allele CA1943936.